The following is an entry in ClinVar:

NM_000059.4(BRCA2):c.1887_1888insG (p.Thr630fs)

Gene: BRCA2 (BRCA2 DNA repair associated; plus strand). Cytogenetic location: 13q13.1.
Variant type: Insertion.
Coding change: c.1887_1888insG on transcript NM_000059.4 (MANE Select); coding-DNA positions 1887 to 1888, G inserted.
Protein change: p.Thr630fs; shifts the reading frame from threonine 630.
Molecular consequence: frameshift variant.
Genome position: GRCh38 VCF-style: chr13-32333365-T-TG. GRCh37 (hg19) VCF-style: chr13-32907502-T-TG.
Other names: c.1887_1888insG, p.Thr630Aspfs (NM_001406719.1, NM_001406720.1, NM_001406721.1); short protein forms T630fs.
Identifiers: ClinVar variation 1781984 (VCV001781984.2), dbSNP rs2548521261, ClinGen allele CA2580087159.
Genomic context (GRCh38, chr13:32,333,365, plus strand): 5'-AAAATCAGAACTAATTAACTGTTCAGCCCAGTTTGAAGCAAATGCTTTTGAAGCACCACT[T>TG]ACATTTGCAAATGCTGATTCAGGTACCTCTGTCTTTTTTTTTTTGTAAATAGTACATATA-3'

ClinVar aggregate classification (germline): Pathogenic (1 of 4 stars; one submission).

Conditions:
Hereditary cancer-predisposing syndrome. Also called: Neoplastic Syndromes, Hereditary; Tumor predisposition; Hereditary Cancer Syndrome; Hereditary neoplastic syndrome. Identifiers: Orphanet 140162, MedGen C0027672, MeSH D009386, MONDO:0015356.

Submission:

Ambry Genetics
Classification: Pathogenic for Hereditary cancer-predisposing syndrome. Last evaluated: 2022-08-01. Review status: criteria provided, single submitter. Criteria: Ambry Variant Classification Scheme 2023. Collection method: clinical testing. Allele origin: germline.
Comment: The c.1887_1888insG pathogenic mutation, located in coding exon 9 of the BRCA2 gene, results from an insertion of one nucleotide at position 1887, causing a translational frameshift with a predicted alternate stop codon (p.T630Dfs*6). This variant is considered to be rare based on population cohorts in the Genome Aggregation Database (gnomAD). This alteration is expected to result in loss of function by premature protein truncation or nonsense-mediated mRNA decay. As such, this alteration is interpreted as a disease-causing mutation.